The following is an entry in ClinVar:

ClinVar aggregate classification (germline): Likely benign (1 of 4 stars; one submission).

Submission:

GeneDx
Classification: Likely benign. Last evaluated: 2021-05-25. Review status: criteria provided, single submitter. Criteria: GeneDx Variant Classification Process June 2021. Collection method: clinical testing. Allele origin: germline. Affected: yes.
Comment: See Variant Classification Assertion Criteria.

NM_002609.4(PDGFRB):c.3137+73GC[5]

Gene: PDGFRB (platelet derived growth factor receptor beta; minus strand). Cytogenetic location: 5q32.
Variant type: Microsatellite.
Coding change: c.3137+73GC[5] on transcript NM_002609.4 (MANE Select); five copies in a row of the 2-base unit GC starting at c.3137+73; the reference has nine copies in a row; four copies, 8 bases deleted.
Molecular consequence: intron variant.
Genome position (GRCh38, 1-based): chr5:150,117,528-150,117,535, GCGCGCGC deleted on the plus strand (GCGCGCGC on the coding strand, the reverse complement: PDGFRB is on the minus strand); deleting any 8 consecutive bases within chr5:150,117,528-150,117,545 gives the same sequence; the position shown is the placement nearest the transcript's 3' end. VCF-style (leftmost placement, unchanged base first): chr5-150117527-AGCGCGCGC-A. GRCh37 (hg19) VCF-style: chr5-149497090-AGCGCGCGC-A.
Other names: c.2945+73GC[5] (NM_001355016.2); c.2654+73GC[5] (NM_001355017.2).
Identifiers: ClinVar variation 2443375 (VCV002443375.1), dbSNP rs148754488, ClinGen allele CA129097939.